The following is an entry in ClinVar:

ClinVar aggregate classification (germline): Uncertain significance. Review status: criteria provided, multiple submitters, no conflicts (2 of 4 stars). 2 submissions from 2 submitters: Uncertain significance (2). Last evaluated 2023-08-04.

Conditions:
Chédiak-Higashi syndrome (CHS). Also called: Chediak-Higashi Syndrome. Identifiers: Orphanet 167, MedGen C0007965, MONDO:0008963, OMIM 214500.

Allele frequency attached by ClinVar (database versions not stated): TOPMed 0.00001; ExAC 0.00002.
gnomAD v4.1: 21 of 1,613,918 alleles (0.0013%); highest among the groups gnomAD compares: Non-Finnish European, 0.0011%; no homozygotes.

Submissions (2):

Labcorp Genetics (formerly Invitae), Labcorp
Classification: Uncertain significance for Chédiak-Higashi syndrome. Last evaluated: 2023-08-04. Review status: criteria provided, single submitter. Criteria: Invitae Variant Classification Sherloc (09022015). Collection method: clinical testing. Allele origin: germline.
Comment: In summary, the available evidence is currently insufficient to determine the role of this variant in disease. Therefore, it has been classified as a Variant of Uncertain Significance. Advanced modeling of protein sequence and biophysical properties (such as structural, functional, and spatial information, amino acid conservation, physicochemical variation, residue mobility, and thermodynamic stability) performed at Invitae indicates that this missense variant is expected to disrupt LYST protein function. ClinVar contains an entry for this variant (Variation ID: 876713). This variant has not been reported in the literature in individuals affected with LYST-related conditions. This variant is present in population databases (rs750778817, gnomAD 0.02%). This sequence change replaces leucine, which is neutral and non-polar, with valine, which is neutral and non-polar, at codon 2748 of the LYST protein (p.Leu2748Val).

Illumina Laboratory Services, Illumina
Classification: Uncertain significance for Chédiak-Higashi syndrome. Last evaluated: 2018-01-12. Review status: criteria provided, single submitter. Criteria: ICSL Variant Classification Criteria 13 December 2019. Collection method: clinical testing. Allele origin: germline.

NM_000081.4(LYST):c.8242C>G (p.Leu2748Val)

Gene: LYST (lysosomal trafficking regulator; minus strand). Cytogenetic location: 1q42.3.
Variant type: single nucleotide variant.
Coding change: c.8242C>G on transcript NM_000081.4 (MANE Select); coding-DNA position 8242, C replaced by G.
Protein change: p.Leu2748Val; replaces leucine 2748 with valine.
Molecular consequence: missense variant.
Genome position (GRCh38, 1-based): chr1:235,741,538, G>C on the plus strand (C>G on the coding strand, the complement: LYST is on the minus strand). VCF-style: chr1-235741538-G-C. GRCh37 (hg19) VCF-style: chr1-235904838-G-C.
Other names: c.8242C>G, p.Leu2748Val (NM_001301365.1); short protein forms L2748V.
Identifiers: ClinVar variation 876713 (VCV000876713.11), dbSNP rs750778817, ClinGen allele CA1465920.
Genomic context (GRCh38, chr1:235,741,538, plus strand): 5'-CTATTTCAAAAATTTGCTTTCTCTCTTGTGCAGCGTGGGCTGGCGACAAAATATGCACTA[G>C]TAGTCTCCCAAGCTGCATTCGGAAGGTCTCCTTACAAGACCACAGAATTTTAGTCCATTG-3'
Protein context (NP_000072.2, residues 2738-2758): ETFRMQLGRL[Leu2748Val]VHILSPAHAA